The following is an entry in ClinVar:

NM_019597.5(HNRNPH2):c.312C>T (p.Ser104=)

Genes: HNRNPH2 (heterogeneous nuclear ribonucleoprotein H2; plus strand), RPL36A-HNRNPH2 (RPL36A-HNRNPH2 readthrough; plus strand). Cytogenetic location: Xq22.1.
Variant type: single nucleotide variant.
Coding change: c.312C>T on transcript NM_019597.5 (MANE Select); coding-DNA position 312, C replaced by T.
Protein change: p.Ser104=; no amino-acid change (serine 104 retained).
Molecular consequence: synonymous variant. On other transcripts: 3 prime UTR variant (2).
Genome position (GRCh38, 1-based): chrX:101,412,300, C>T. VCF-style: chrX-101412300-C-T. GRCh37 (hg19) VCF-style: chrX-100667288-C-T.
Other names: c.*308C>T (NM_001199973.2, NM_001199974.2); c.312C>T, p.Ser104= (NM_001032393.3).
Identifiers: ClinVar variation 4056762 (VCV004056762.1).

ClinVar aggregate classification (germline): Uncertain significance (1 of 4 stars; one submission).

Conditions:
Intellectual developmental disorder, X-linked, syndromic, Bain type. Also called: Intellectual disability, X-linked, syndromic, Bain type; HNRNPH2-Related Neurodevelopmental Disorder. Identifiers: Orphanet 662198, MedGen C4310814, MONDO:0010512, OMIM 300986.

Submission:

Laboratorio de Genetica e Diagnostico Molecular, Hospital Israelita Albert Einstein
Classification: Uncertain significance for Intellectual developmental disorder, X-linked, syndromic, Bain type. Last evaluated: 2023-08-08. Review status: criteria provided, single submitter. Criteria: ACMG Guidelines, 2015. Collection method: clinical testing. Allele origin: germline. Affected: yes.
Comment: ACMG classification criteria: PM2 moderate